The following is an entry in ClinVar:

ClinVar aggregate classification (germline): Uncertain significance (1 of 4 stars; one submission).

Conditions:
Familial sleep-related hypermotor epilepsy. Also called: Autosomal Dominant Sleep-Related Hypermotor (Hyperkinetic) Epilepsy. Identifiers: Orphanet 98784, MedGen C3696898, MONDO:0000030.

Allele frequency attached by ClinVar (database versions not stated): gnomAD exomes below 0.00001.

Submission:

Labcorp Genetics (formerly Invitae), Labcorp
Classification: Uncertain significance. Last evaluated: 2021-08-24. Review status: criteria provided, single submitter. Criteria: Invitae Variant Classification Sherloc (09022015). Collection method: clinical testing. Allele origin: germline.
Comment: In summary, the available evidence is currently insufficient to determine the role of this variant in disease. Therefore, it has been classified as a Variant of Uncertain Significance. Advanced modeling of protein sequence and biophysical properties (such as structural, functional, and spatial information, amino acid conservation, physicochemical variation, residue mobility, and thermodynamic stability) performed at Invitae indicates that this missense variant is not expected to disrupt CHRNB2 protein function. This variant has not been reported in the literature in individuals affected with CHRNB2-related conditions. This variant is not present in population databases (ExAC no frequency). This sequence change replaces aspartic acid with asparagine at codon 218 of the CHRNB2 protein (p.Asp218Asn). The aspartic acid residue is moderately conserved and there is a small physicochemical difference between aspartic acid and asparagine.

NM_000748.3(CHRNB2):c.652G>A (p.Asp218Asn)

Gene: CHRNB2 (cholinergic receptor nicotinic beta 2 subunit; plus strand). Cytogenetic location: 1q21.3.
Variant type: single nucleotide variant.
Coding change: c.652G>A on transcript NM_000748.3 (MANE Select); coding-DNA position 652, G replaced by A.
Protein change: p.Asp218Asn; replaces aspartic acid 218 with asparagine.
Molecular consequence: missense variant.
Genome position (GRCh38, 1-based): chr1:154,571,475, G>A. VCF-style: chr1-154571475-G-A. GRCh37 (hg19) VCF-style: chr1-154543951-G-A.
Other names: short protein forms D218N.
Identifiers: ClinVar variation 1484455 (VCV001484455.8), dbSNP rs1429118769, ClinGen allele CA342630548.